The following is an entry in ClinVar:

NM_007294.4(BRCA1):c.301T>C (p.Tyr101His)

Gene: BRCA1 (BRCA1 DNA repair associated; minus strand). Cytogenetic location: 17q21.31.
Variant type: single nucleotide variant.
Coding change: c.301T>C on transcript NM_007294.4 (MANE Select); coding-DNA position 301, T replaced by C.
Protein change: p.Tyr101His; replaces tyrosine 101 with histidine.
Molecular consequence: missense variant. On other transcripts: non-coding transcript variant (1).
Genome position (GRCh38, 1-based): chr17:43,104,868, A>G on the plus strand (T>C on the coding strand, the complement: BRCA1 is on the minus strand). VCF-style: chr17-43104868-A-G. GRCh37 (hg19) VCF-style: chr17-41256885-A-G.
Other names: c.160T>C, p.Tyr54His (NM_001407843.1, NM_001407844.1, NM_001407845.1 and 99 more transcripts); c.301T>C, p.Tyr101His (NM_001408438.1, NM_001408441.1, NM_001408443.1 and 165 more transcripts); c.91T>C, p.Tyr31His (NM_001408502.1, NM_001408506.1, NM_001408507.1 and 58 more transcripts); c.-81T>C (NM_001408510.1, NM_001408512.1, NM_001407959.1 and 4 more transcripts); c.223T>C, p.Tyr75His (NM_001407653.1, NM_001407654.1, NM_001407655.1 and 21 more transcripts); c.169T>C, p.Tyr57His (NM_001408451.1); short protein forms Y101H, Y54H, Y57H, Y75H, Y31H.
Identifiers: ClinVar variation 489713 (VCV000489713.13), dbSNP rs1555596637, ClinGen allele CA10601551.

ClinVar aggregate classification (germline): Uncertain significance. Review status: criteria provided, multiple submitters, no conflicts (2 of 4 stars). 3 submissions from 3 submitters: Uncertain significance (3). Last evaluated 2024-03-07.

Conditions:
Hereditary breast ovarian cancer syndrome. Also called: Breast and ovarian cancer; Hereditary breast and/or ovarian cancer syndrome; Hereditary breast and ovarian cancer; Hereditary breast and ovarian cancer syndrome (HBOC); BRCA1- and BRCA2-Associated Hereditary Breast and Ovarian Cancer; Hereditary breast and ovarian cancer syndrome. Identifiers: Orphanet 145, MedGen C0677776, MeSH D061325, MONDO:0003582. Disease mechanism: loss of function.
Hereditary cancer-predisposing syndrome. Also called: Hereditary Cancer Syndrome; Neoplastic Syndromes, Hereditary; Tumor predisposition; Hereditary neoplastic syndrome. Identifiers: Orphanet 140162, MedGen C0027672, MeSH D009386, MONDO:0015356.

gnomAD v4.1: 1 of 1,612,916 alleles (0.000062%); highest among the groups gnomAD compares: Non-Finnish European, 0.000085%; no homozygotes.

Submissions (3):

Ambry Genetics
Classification: Uncertain significance for Hereditary cancer-predisposing syndrome. Last evaluated: 2024-03-07. Review status: criteria provided, single submitter. Criteria: Ambry Variant Classification Scheme 2023. Collection method: clinical testing. Allele origin: germline.
Comment: The p.Y101H variant (also known as c.301T>C), located in coding exon 4 of the BRCA1 gene, results from a T to C substitution at nucleotide position 301. The tyrosine at codon 101 is replaced by histidine, an amino acid with similar properties. This amino acid position is poorly conserved in available vertebrate species. In addition, the in silico prediction for this alteration is inconclusive. Based on the available evidence, the clinical significance of this alteration remains unclear.

Labcorp Genetics (formerly Invitae), Labcorp
Classification: Uncertain significance for Hereditary breast ovarian cancer syndrome. Last evaluated: 2021-11-07. Review status: criteria provided, single submitter. Criteria: Invitae Variant Classification Sherloc (09022015). Collection method: clinical testing. Allele origin: germline.
Comment: This sequence change replaces tyrosine, which is neutral and polar, with histidine, which is basic and polar, at codon 101 of the BRCA1 protein (p.Tyr101His). This variant is not present in population databases (gnomAD no frequency). This variant has not been reported in the literature in individuals affected with BRCA1-related conditions. ClinVar contains an entry for this variant (Variation ID: 489713). Algorithms developed to predict the effect of missense changes on protein structure and function (SIFT, PolyPhen-2, Align-GVGD) all suggest that this variant is likely to be tolerated. In summary, the available evidence is currently insufficient to determine the role of this variant in disease. Therefore, it has been classified as a Variant of Uncertain Significance.

Color Diagnostics, LLC DBA Color Health
Classification: Uncertain significance for Hereditary cancer-predisposing syndrome. Last evaluated: 2020-03-02. Review status: criteria provided, single submitter. Criteria: ACMG Guidelines, 2015. Collection method: clinical testing. Allele origin: germline.
Comment: This missense variant replaces tyrosine with histidine at codon 101 of the BRCA1 protein. Computational prediction is inconclusive regarding the impact of this variant on protein structure and function (internally defined REVEL score threshold 0.5 < inconclusive < 0.7, PMID: 27666373). Splice site prediction tools suggest that this variant may not impact RNA splicing. To our knowledge, functional studies have not been reported for this variant. This variant has not been reported in individuals affected with hereditary cancer in the literature. This variant has not been identified in the general population by the Genome Aggregation Database (gnomAD). The available evidence is insufficient to determine the role of this variant in disease conclusively. Therefore, this variant is classified as a Variant of Uncertain Significance.